The following is an entry in ClinVar:

NM_004444.5(EPHB4):c.964+3A>T

Gene: EPHB4 (EPH receptor B4; minus strand). Cytogenetic location: 7q22.1.
Variant type: single nucleotide variant.
Coding change: c.964+3A>T on transcript NM_004444.5 (MANE Select); 3 bases into the intron after coding-DNA position 964, A replaced by T.
Molecular consequence: intron variant.
Genome position (GRCh38, 1-based): chr7:100,820,138, T>A on the plus strand (A>T on the coding strand, the complement: EPHB4 is on the minus strand). VCF-style: chr7-100820138-T-A. GRCh37 (hg19) VCF-style: chr7-100417760-T-A.
Identifiers: ClinVar variation 1806256 (VCV001806256.2), dbSNP rs2485037560, ClinGen allele CA923726143.

ClinVar aggregate classification (germline): Likely pathogenic (1 of 4 stars; one submission).

Conditions:
Capillary malformation-arteriovenous malformation 2 (CMAVM2). Identifiers: Orphanet 693912, MedGen C4748670, MONDO:0020785, OMIM 618196.

Submission:

Victorian Clinical Genetics Services, Murdoch Childrens Research Institute
Classification: Likely pathogenic for Capillary malformation-arteriovenous malformation 2. Last evaluated: 2023-12-21. Review status: criteria provided, single submitter. Criteria: ACMG Guidelines, 2015. Collection method: clinical testing. Allele origin: germline. Inheritance: Autosomal dominant inheritance. Affected: yes.
Comment: Based on the classification scheme VCGS_Germline_v1.3.4, this variant is classified as Likely pathogenic. Following criteria are met: 0102 - Loss of function is a known mechanism of disease in this gene and is associated with capillary malformation-arteriovenous malformation 2 (MIM#618196) and lymphatic malformation 7 (MIM#617300). (I) 0107 - This gene is associated with autosomal dominant disease. (I) 0115 - Variants in this gene are known to have variable expressivity. There is intra-familial variability reported (PMIDs: 29905864, 27400125, 30578106). (I) 0210 - Splice site variant proven to affect splicing of the transcript with a known effect on protein sequence. RT-PCR and Sanger sequencing performed on RNA extracted from this proband’s blood showed retention of 19bp of intron 5, resulting in a frameshift variant p.(Thr322Serfs*2) predicted to cause nonsense-mediated decay (NMD) (research data from the laboratory of Michael Hildebrand). (SP) 0251 - This variant is heterozygous. (I) 0301 - Variant is absent from gnomAD (both v2 and v3). (SP) 0701 - Other variants predicted to cause NMD comparable to the one identified in this case have very strong previous evidence for pathogenicity (DECIPHER). (SP) 0807 - This variant has no previous evidence of pathogenicity. (I) 0905 - No published segregation evidence has been identified for this variant. (I) 1007 - No published functional evidence has been identified for this variant. (I) 1208 - Inheritance information for this variant is not currently available in this individual. (I) Legend: (SP) - Supporting pathogenic, (I) - Information, (SB) - Supporting benign

Literature cited by the submitters: PubMed 27400125; PubMed 29905864; PubMed 30578106.